The following is an entry in ClinVar:

ClinVar aggregate classification (germline): Likely benign. Review status: criteria provided, multiple submitters, no conflicts (2 of 4 stars). 2 submissions from 2 submitters: Likely benign (2). Last evaluated 2026-01-01.

Conditions:
Polyhydramnios, megalencephaly, and symptomatic epilepsy (PMSE). Also called: PMSE SYNDROME. Identifiers: Orphanet 500533, MedGen C1970203, MONDO:0012611, OMIM 611087.

Allele frequency attached by ClinVar (database versions not stated): gnomAD exomes 0.00001 and 0.00003; ExAC 0.00002; gnomAD 0.00002 and 0.00003; TOPMed 0.00004; 1000 Genomes Project 30x 0.00016; 1000 Genomes Project 0.00020.
gnomAD v4.1: 49 of 1,614,100 alleles (0.003%); highest among the groups gnomAD compares: Admixed American, 0.005%; no homozygotes.

Submissions (2):

Labcorp Genetics (formerly Invitae), Labcorp
Classification: Likely benign for Polyhydramnios, megalencephaly, and symptomatic epilepsy. Last evaluated: 2026-01-01. Review status: criteria provided, single submitter. Criteria: Invitae Variant Classification Sherloc (09022015). Collection method: clinical testing. Allele origin: germline.

CeGaT Center for Human Genetics Tuebingen
Classification: Likely benign. Last evaluated: 2023-11-01. Review status: criteria provided, single submitter. Criteria: CeGaT Center For Human Genetics Tuebingen Variant Classification Criteria Version 2. Collection method: clinical testing. Allele origin: germline. Affected: yes. Observed: 1 variant allele.
Comment: STRADA: BP4, BP7

NM_001003787.4(STRADA):c.288C>T (p.Tyr96=)

Gene: STRADA (STE20 related adaptor alpha; minus strand). Cytogenetic location: 17q23.3.
Variant type: single nucleotide variant.
Coding change: c.288C>T on transcript NM_001003787.4 (MANE Select); coding-DNA position 288, C replaced by T.
Protein change: p.Tyr96=; no amino-acid change (tyrosine 96 retained).
Molecular consequence: synonymous variant. On other transcripts: non-coding transcript variant (1).
Genome position (GRCh38, 1-based): chr17:63,713,466, G>A on the plus strand (C>T on the coding strand, the complement: STRADA is on the minus strand). VCF-style: chr17-63713466-G-A. GRCh37 (hg19) VCF-style: chr17-61790826-G-A.
Other names: c.177C>T, p.Tyr59= (NM_001003786.3, NM_001363789.1, NM_153335.6); c.114C>T, p.Tyr38= (NM_001003788.3, NM_001363790.1, NM_001363791.1); c.201C>T, p.Tyr67= (NM_001165969.2, NM_001363787.1); c.156C>T, p.Tyr52= (NM_001165970.2); c.264C>T, p.Tyr88= (NM_001363786.1); c.288C>T, p.Tyr96= (NM_001363788.1).
Identifiers: ClinVar variation 742316 (VCV000742316.33), dbSNP rs546795656, ClinGen allele CA8703443.